The following is an entry in ClinVar:

NM_000059.4(BRCA2):c.5494T>C (p.Ser1832Pro)

Gene: BRCA2 (BRCA2 DNA repair associated; plus strand). Cytogenetic location: 13q13.1.
Variant type: single nucleotide variant.
Coding change: c.5494T>C on transcript NM_000059.4 (MANE Select); coding-DNA position 5494, T replaced by C.
Protein change: p.Ser1832Pro; replaces serine 1832 with proline.
Molecular consequence: missense variant.
Genome position (GRCh38, 1-based): chr13:32,339,849, T>C. VCF-style: chr13-32339849-T-C. GRCh37 (hg19) VCF-style: chr13-32913986-T-C.
Other names: short protein forms S1832P.
Identifiers: ClinVar variation 462382 (VCV000462382.19), dbSNP rs1555284247, ClinGen allele CA387785769.

ClinVar aggregate classification (germline): Conflicting classifications of pathogenicity. Review status: criteria provided, conflicting classifications (1 of 4 stars). 4 submissions from 4 submitters: Uncertain significance (2); Likely benign (2). Last evaluated 2025-03-04.

Conditions:
Hereditary cancer-predisposing syndrome. Also called: Neoplastic Syndromes, Hereditary; Hereditary Cancer Syndrome; Hereditary neoplastic syndrome; Tumor predisposition. Identifiers: Orphanet 140162, MedGen C0027672, MeSH D009386, MONDO:0015356.
Hereditary breast ovarian cancer syndrome. Also called: Hereditary breast and ovarian cancer syndrome (HBOC); Hereditary breast and ovarian cancer syndrome; Breast and ovarian cancer; Hereditary breast and/or ovarian cancer syndrome; Hereditary breast and ovarian cancer; BRCA1- and BRCA2-Associated Hereditary Breast and Ovarian Cancer. Identifiers: Orphanet 145, MedGen C0677776, MeSH D061325, MONDO:0003582. Disease mechanism: loss of function.

Submissions (4):

Center for Genomic Medicine, Rigshospitalet, Copenhagen University Hospital
Classification: Likely benign. Last evaluated: 2025-03-04. Review status: criteria provided, single submitter. Criteria: ACMG Guidelines, 2015. Collection method: clinical testing. Allele origin: germline.

University of Washington Department of Laboratory Medicine, University of Washington
Classification: Likely benign for Hereditary cancer-predisposing syndrome. Last evaluated: 2023-03-23. Review status: criteria provided, single submitter. Criteria: Dines et al. (Genet Med. 2020). Collection method: curation. Allele origin: germline.
Comment: Missense variant in a coldspot region where missense variants are very unlikely to be pathogenic (PMID:31911673).

BRCA2 exon 11 coldspot. Reclassification based on statistical prior probability.

Ambry Genetics
Classification: Uncertain significance for Hereditary cancer-predisposing syndrome. Last evaluated: 2022-07-28. Review status: criteria provided, single submitter. Criteria: Ambry Variant Classification Scheme 2023. Collection method: clinical testing. Allele origin: germline.
Comment: The p.S1832P variant (also known as c.5494T>C), located in coding exon 10 of the BRCA2 gene, results from a T to C substitution at nucleotide position 5494. The serine at codon 1832 is replaced by proline, an amino acid with similar properties. This variant was detected in a cohort of 445 ovarian cancer patients from Denmark (Soegaard M et al. Clin Cancer Res, 2008 Jun;14:3761-7). This amino acid position is not well conserved in available vertebrate species. In addition, this alteration is predicted to be tolerated by in silico analysis. Since supporting evidence is limited at this time, the clinical significance of this alteration remains unclear.

Labcorp Genetics (formerly Invitae), Labcorp
Classification: Uncertain significance for Hereditary breast ovarian cancer syndrome. Last evaluated: 2017-06-24. Review status: criteria provided, single submitter. Criteria: Invitae Variant Classification Sherloc (09022015). Collection method: clinical testing. Allele origin: germline.
Comment: In summary, the available evidence is currently insufficient to determine the role of this variant in disease. Therefore, it has been classified as a Variant of Uncertain Significance. Algorithms developed to predict the effect of missense changes on protein structure and function output the following: SIFT: "Tolerated"; PolyPhen-2: "Benign"; Align-GVGD: "Class C0". The proline amino acid residue is found in multiple mammalian species, suggesting that this missense change does not adversely affect protein function. These predictions have not been confirmed by published functional studies and their clinical significance is uncertain. This variant has been reported in an individual affected with ovarian cancer (PMID: 18559594). This variant is not present in population databases (ExAC no frequency). This sequence change replaces serine with proline at codon 1832 of the BRCA2 protein (p.Ser1832Pro). The serine residue is weakly conserved and there is a moderate physicochemical difference between serine and proline.

Literature cited by the submitters: PubMed 18559594 (cited by 3 submitters).